The following is an entry in ClinVar:

ClinVar aggregate classification (germline): Uncertain significance (1 of 4 stars; one submission).

Submission:

Labcorp Genetics (formerly Invitae), Labcorp
Classification: Uncertain significance. Last evaluated: 2025-08-25. Review status: criteria provided, single submitter. Criteria: Invitae Variant Classification Sherloc (09022015). Collection method: clinical testing. Allele origin: germline.
Comment: This sequence change replaces leucine, which is neutral and non-polar, with proline, which is neutral and non-polar, at codon 7 of the MGP protein (p.Leu7Pro). This variant is not present in population databases (gnomAD no frequency). This variant has not been reported in the literature in individuals affected with MGP-related conditions. An algorithm developed to predict the effect of missense changes on protein structure and function outputs the following: PolyPhen-2: "Possibly Damaging". The proline amino acid residue is found in multiple mammalian species, which suggests that this missense change does not adversely affect protein function. In summary, the available evidence is currently insufficient to determine the role of this variant in disease. Therefore, it has been classified as a Variant of Uncertain Significance.

NM_000900.5(MGP):c.20T>C (p.Leu7Pro)

Gene: MGP (matrix Gla protein; minus strand). Cytogenetic location: 12p12.3.
Variant type: single nucleotide variant.
Coding change: c.20T>C on transcript NM_000900.5 (MANE Select); coding-DNA position 20, T replaced by C.
Protein change: p.Leu7Pro; replaces leucine 7 with proline.
Molecular consequence: missense variant.
Genome position (GRCh38, 1-based): chr12:14,885,772, A>G on the plus strand (T>C on the coding strand, the complement: MGP is on the minus strand). VCF-style: chr12-14885772-A-G. GRCh37 (hg19) VCF-style: chr12-15038706-A-G.
Other names: c.20T>C, p.Leu7Pro (NM_001190839.3); short protein forms L7P.
Identifiers: ClinVar variation 4726047 (VCV004726047.1).
Genomic context (GRCh38, chr12:14,885,772, plus strand): 5'-TGGGAGAAAAGTTTCTCACCATAACACAAAGTTACTACCGCTAAGGCGGCCAGGATGGCA[A>G]GAAGGATCAGGCTCTTCATGGTTTCGTCCTGCAGGTCAGTCTCAGGGTCTTGTGTAGCAG-3'
Protein context (NP_000891.2, residues 1-17): MKSLIL[Leu7Pro]AILAALAVVT